The following is an entry in ClinVar:

ClinVar aggregate classification (germline): Uncertain significance (1 of 4 stars; one submission).

Conditions:
Epileptic encephalopathy. Identifiers: MedGen C0543888, HP:0200134.

Allele frequency attached by ClinVar (database versions not stated): gnomAD exomes 0.00002; ExAC 0.00003.
gnomAD v4.1: 27 of 1,614,162 alleles (0.0017%); highest among the groups gnomAD compares: South Asian, 0.0055%; no homozygotes.

Submission:

Labcorp Genetics (formerly Invitae), Labcorp
Classification: Uncertain significance for Epileptic encephalopathy. Last evaluated: 2023-04-28. Review status: criteria provided, single submitter. Criteria: Invitae Variant Classification Sherloc (09022015). Collection method: clinical testing. Allele origin: germline.
Comment: This variant has not been reported in the literature in individuals affected with GABBR2-related conditions. This variant is present in population databases (rs773914853, gnomAD 0.02%). This sequence change replaces isoleucine, which is neutral and non-polar, with valine, which is neutral and non-polar, at codon 692 of the GABBR2 protein (p.Ile692Val). Advanced modeling of protein sequence and biophysical properties (such as structural, functional, and spatial information, amino acid conservation, physicochemical variation, residue mobility, and thermodynamic stability) performed at Invitae indicates that this missense variant is not expected to disrupt GABBR2 protein function. In summary, the available evidence is currently insufficient to determine the role of this variant in disease. Therefore, it has been classified as a Variant of Uncertain Significance.

NM_005458.8(GABBR2):c.2074A>G (p.Ile692Val)

Gene: GABBR2 (gamma-aminobutyric acid type B receptor subunit 2; minus strand). Cytogenetic location: 9q22.33.
Variant type: single nucleotide variant.
Coding change: c.2074A>G on transcript NM_005458.8 (MANE Select); coding-DNA position 2074, A replaced by G.
Protein change: p.Ile692Val; replaces isoleucine 692 with valine.
Molecular consequence: missense variant.
Genome position (GRCh38, 1-based): chr9:98,306,276, T>C on the plus strand (A>G on the coding strand, the complement: GABBR2 is on the minus strand). VCF-style: chr9-98306276-T-C. GRCh37 (hg19) VCF-style: chr9-101068558-T-C.
Other names: short protein forms I692V.
Identifiers: ClinVar variation 2726138 (VCV002726138.3), dbSNP rs773914853, ClinGen allele CA5152537.